The following is an entry in ClinVar:

NM_001367624.2(ZNF469):c.4211C>T (p.Ala1404Val)

Gene: ZNF469 (zinc finger protein 469; plus strand). Cytogenetic location: 16q24.2.
Variant type: single nucleotide variant.
Coding change: c.4211C>T on transcript NM_001367624.2 (MANE Select); coding-DNA position 4211, C replaced by T.
Protein change: p.Ala1404Val; replaces alanine 1404 with valine.
Molecular consequence: missense variant.
Genome position (GRCh38, 1-based): chr16:88,431,681, C>T. VCF-style: chr16-88431681-C-T. GRCh37 (hg19) VCF-style: chr16-88498089-C-T.
Other names: NM_001127464.1:c.4127C>T; short protein forms A1404V.
Identifiers: ClinVar variation 1203008 (VCV001203008.9), dbSNP rs948990641, ClinGen allele CA286375715.

ClinVar aggregate classification (germline): Conflicting classifications of pathogenicity. Review status: criteria provided, conflicting classifications (1 of 4 stars). 3 submissions from 3 submitters: Uncertain significance (2); Likely benign (1). Last evaluated 2025-04-04.

Conditions:
Cardiovascular phenotype. Identifiers: MedGen CN230736.

Allele frequency attached by ClinVar (database versions not stated): gnomAD exomes 0.00001; gnomAD 0.00002; TOPMed 0.00002.
gnomAD v4.1: 22 of 1,550,322 alleles (0.0014%); highest among the groups gnomAD compares: Non-Finnish European, 0.0018%; no homozygotes.

Submissions (3):

Ambry Genetics
Classification: Likely benign for Cardiovascular phenotype. Last evaluated: 2025-04-04. Review status: criteria provided, single submitter. Criteria: Ambry Variant Classification Scheme 2023. Collection method: clinical testing. Allele origin: germline.

Labcorp Genetics (formerly Invitae), Labcorp
Classification: Uncertain significance. Last evaluated: 2022-07-25. Review status: criteria provided, single submitter. Criteria: Invitae Variant Classification Sherloc (09022015). Collection method: clinical testing. Allele origin: germline.
Comment: This sequence change replaces alanine, which is neutral and non-polar, with valine, which is neutral and non-polar, at codon 1376 of the ZNF469 protein (p.Ala1376Val). This variant is present in population databases (no rsID available, gnomAD 0.002%). This variant has not been reported in the literature in individuals affected with ZNF469-related conditions. ClinVar contains an entry for this variant (Variation ID: 1203008). Algorithms developed to predict the effect of missense changes on protein structure and function output the following: SIFT: "Tolerated"; PolyPhen-2: "Benign"; Align-GVGD: "Class C0". The valine amino acid residue is found in multiple mammalian species, which suggests that this missense change does not adversely affect protein function. In summary, the available evidence is currently insufficient to determine the role of this variant in disease. Therefore, it has been classified as a Variant of Uncertain Significance.

GeneDx
Classification: Uncertain significance. Last evaluated: 2020-04-30. Review status: criteria provided, single submitter. Criteria: GeneDx Variant Classification Process June 2021. Collection method: clinical testing. Allele origin: germline. Affected: yes.
Comment: Has not been previously published as pathogenic or benign to our knowledge; Not observed at a significant frequency in large population cohorts (Lek et al., 2016); In silico analysis, which includes protein predictors and evolutionary conservation, supports that this variant does not alter protein structure/function